The following is an entry in ClinVar:

NM_016553.5(NUP62):c.648C>T (p.Ser216=)

Genes: IL4I1 (interleukin 4 induced 1; minus strand), NUP62 (nucleoporin 62; minus strand). Cytogenetic location: 19q13.33.
Variant type: single nucleotide variant.
Coding change: c.648C>T on transcript NM_016553.5 (MANE Select); coding-DNA position 648, C replaced by T.
Protein change: p.Ser216=; no amino-acid change (serine 216 retained).
Molecular consequence: synonymous variant. On other transcripts: intron variant (3).
Genome position (GRCh38, 1-based): chr19:49,909,160, G>A on the plus strand (C>T on the coding strand, the complement: NUP62 is on the minus strand). VCF-style: chr19-49909160-G-A. GRCh37 (hg19) VCF-style: chr19-50412417-G-A.
Other names: c.648C>T, p.Ser216= (NM_001193357.2, NM_012346.5, NM_153718.4 and 1 more transcripts); c.-227-4839C>T (NM_001258017.2, NM_172374.3); c.-285-4839C>T (NM_001258018.2).
Identifiers: ClinVar variation 129848 (VCV000129848.21), dbSNP rs999583, ClinGen allele CA154182.

ClinVar aggregate classification (germline): Benign. Review status: criteria provided, multiple submitters, no conflicts (2 of 4 stars). 6 submissions from 6 submitters: Benign (5). 1 of the submissions does not count toward it. Last evaluated 2026-02-03.

Conditions:
Infantile bilateral striatal necrosis. Identifiers: Orphanet 1576, MedGen C0795996, MONDO:0015518.

Allele frequency attached by ClinVar (database versions not stated): gnomAD exomes 0.76169 and 0.79217; ExAC 0.79185; TOPMed 0.82425; 1000 Genomes Project 30x 0.86009; gnomAD 0.81792 and 0.81755; ESP Exome Variant Server 0.80755; 1000 Genomes Project 0.86042.
gnomAD v4.1: 1,237,763 of 1,613,498 alleles (77%); highest among the groups gnomAD compares: East Asian, 96%; 477,475 homozygotes.

Submissions (6):

Labcorp Genetics (formerly Invitae), Labcorp
Classification: Benign. Last evaluated: 2026-02-03. Review status: criteria provided, single submitter. Criteria: Invitae Variant Classification Sherloc (09022015). Collection method: clinical testing. Allele origin: germline.

Unidad de Genómica Garrahan, Hospital de Pediatría Garrahan
Classification: Benign. Last evaluated: 2024-07-31. Review status: criteria provided, single submitter. Criteria: ACMG Guidelines, 2015. Collection method: clinical testing. Allele origin: germline. Affected: no. Observed: 90 variant alleles.
Comment: This variant is classified as Benign based on local population frequency. This variant was detected in 97% of patients studied in a panel designed for Epileptic and Developmental Encephalopathy, Progressive Myoclonus Epilepsy and Abnormal Movements and Neurodegeneration with brain iron accumulation. Number of patients: 90. Only high quality variants are reported.

Genome-Nilou Lab
Classification: Benign for Familial infantile bilateral striatal necrosis. Last evaluated: 2021-09-05. Review status: criteria provided, single submitter. Criteria: ACMG Guidelines, 2015. Collection method: clinical testing. Allele origin: germline. Affected: no.

GeneDx
Classification: Benign. Last evaluated: 2020-01-30. Review status: criteria provided, single submitter. Criteria: GeneDx Variant Classification Process June 2021. Collection method: clinical testing. Allele origin: germline. Affected: yes.

Breakthrough Genomics
Classification: Benign. Review status: criteria provided, single submitter. Criteria: ACMG Guidelines, 2015. Collection method: not provided. Allele origin: germline. Inheritance: Autosomal recessive inheritance. Affected: yes.

Genetic Services Laboratory, University of Chicago
Classification: Likely benign for AllHighlyPenetrant. Review status: no assertion criteria provided. Collection method: clinical testing. Allele origin: germline. Inheritance: Autosomal recessive inheritance. Not counted in ClinVar's aggregate classification.
Comment: Likely benign based on allele frequency in 1000 Genomes Project or ESP global frequency and its presence in a patient with a rare or unrelated disease phenotype. NOT Sanger confirmed.